The following is an entry in ClinVar:

ClinVar aggregate classification (germline): Likely benign. Review status: criteria provided, single submitter (1 of 4 stars). 2 submissions from 2 submitters: Likely benign (1). 1 of the submissions does not count toward it. Last evaluated 2026-01-05.

Conditions:
LAMA5-related disorder. Also called: LAMA5-Related Disorders; LAMA5-related condition.

Allele frequency attached by ClinVar (database versions not stated): ESP Exome Variant Server 0.00015; 1000 Genomes Project 30x 0.00016; TOPMed 0.00017; 1000 Genomes Project 0.00020; gnomAD 0.00021; ExAC 0.00028; gnomAD exomes 0.00032.
gnomAD v4.1: 487 of 1,612,902 alleles (0.03%); highest among the groups gnomAD compares: Non-Finnish European, 0.032%; no homozygotes.

Submissions (2):

Labcorp Genetics (formerly Invitae), Labcorp
Classification: Likely benign. Last evaluated: 2026-01-05. Review status: criteria provided, single submitter. Criteria: Invitae Variant Classification Sherloc (09022015). Collection method: clinical testing. Allele origin: germline.

PreventionGenetics, part of Exact Sciences
Classification: Likely benign for LAMA5-related condition. Last evaluated: 2019-05-24. Review status: no assertion criteria provided. Collection method: clinical testing. Allele origin: germline. Not counted in ClinVar's aggregate classification.
Comment: This variant is classified as likely benign based on ACMG/AMP sequence variant interpretation guidelines (Richards et al. 2015 PMID: 25741868, with internal and published modifications).

NM_005560.6(LAMA5):c.2694C>T (p.Phe898=)

Gene: LAMA5 (laminin subunit alpha 5; minus strand). Cytogenetic location: 20q13.33.
Variant type: single nucleotide variant.
Coding change: c.2694C>T on transcript NM_005560.6 (MANE Select); coding-DNA position 2694, C replaced by T.
Protein change: p.Phe898=; no amino-acid change (phenylalanine 898 retained).
Molecular consequence: synonymous variant.
Genome position (GRCh38, 1-based): chr20:62,334,231, G>A on the plus strand (C>T on the coding strand, the complement: LAMA5 is on the minus strand). VCF-style: chr20-62334231-G-A. GRCh37 (hg19) VCF-style: chr20-60909287-G-A.
Other names: c.2694C>T (NM_005560.4).
Identifiers: ClinVar variation 1551542 (VCV001551542.10), dbSNP rs144665788, ClinGen allele CA9943367.
Genomic context (GRCh38, chr20:62,334,231, plus strand): 5'-GAGCACAGCGCCCACCTGGACAGGTGCCATCTGCGCGTAGCCCCTCCAGCTGAAGTTCTC[G>A]AACTCGAGGGGGTTGAAGCCAAAGCGCACGGCGTGACCCTCAGGTGTGGCAGCCTCCTCC-3'
Protein context (NP_005551.3, residues 888-908): AVRFGFNPLE[Phe898=]ENFSWRGYAQ